The following is an entry in ClinVar:

NM_178857.6(RP1L1):c.3956_4003del (p.Ala1319_Glu1334del)

Gene: RP1L1 (RP1 like 1). Cytogenetic location: 8p23.1.
Variant type: Deletion.
Coding change: c.3956_4003del on transcript NM_178857.6 (MANE Select); coding-DNA positions 3956 to 4003, 48 bases deleted.
Protein change: p.Ala1319_Glu1334del.
Molecular consequence: inframe deletion.
Genome position: GRCh38: chr8:10,610,115-10,610,162. GRCh37 (hg19): chr8:10,467,625-10,467,672.
Identifiers: ClinVar variation 1695222 (VCV001695222.33), dbSNP rs746122572, ClinGen allele CA4624225.

ClinVar aggregate classification (germline): Benign/Likely benign. Review status: criteria provided, multiple submitters, no conflicts (2 of 4 stars). 3 submissions from 3 submitters: Benign (1); Likely benign (2). Last evaluated 2024-11-25.

Conditions:
Retinitis pigmentosa 88. Identifiers: MedGen C5394208, MONDO:0032940, OMIM 618826.
Occult macular dystrophy (OCMD). Also called: OCCULT MACULAR DYSTROPHY, SUSCEPTIBILITY TO; OMD. Identifiers: Orphanet 247834, MedGen C3150833, MONDO:0013316, OMIM 613587, HP:0030636.

Submissions (3):

Blueprint Genetics
Classification: Likely benign. Last evaluated: 2024-11-25. Review status: criteria provided, single submitter. Criteria: ACMG Guidelines, 2015. Collection method: clinical testing. Allele origin: germline.

CeGaT Center for Human Genetics Tuebingen
Classification: Benign. Last evaluated: 2022-07-01. Review status: criteria provided, single submitter. Criteria: CeGaT Center For Human Genetics Tuebingen Variant Classification Criteria Version 2. Collection method: clinical testing. Allele origin: germline. Affected: yes. Observed: 2 variant alleles.
Comment: RP1L1: BS1, BS2

Fulgent Genetics
Classification: Likely benign for Occult macular dystrophy; Retinitis pigmentosa 88. Last evaluated: 2021-11-10. Review status: criteria provided, single submitter. Criteria: ACMG Guidelines, 2015. Collection method: clinical testing. Allele origin: unknown.